The following is an entry in ClinVar:

ClinVar aggregate classification (germline): Benign/Likely benign. Review status: criteria provided, multiple submitters, no conflicts (2 of 4 stars). 2 submissions from 2 submitters: Benign (1); Likely benign (1). Last evaluated 2019-05-28.

Conditions:
Peutz-Jeghers syndrome (PJS). Also called: POLYPOSIS, HAMARTOMATOUS INTESTINAL; POLYPS-AND-SPOTS SYNDROME; Peutz-Jeghers polyposis; Periorificial lentiginosis syndrome. Identifiers: Orphanet 2869, MedGen C0031269, MeSH D010580, MONDO:0008280, OMIM 175200.

Allele frequency attached by ClinVar (database versions not stated): gnomAD 0.00021 and 0.00027; 1000 Genomes Project 0.00040; TOPMed 0.00045; 1000 Genomes Project 30x 0.00062.
gnomAD v4.1: 339 of 1,145,482 alleles (0.03%); highest among the groups gnomAD compares: Middle Eastern, 0.33%; 4 homozygotes.

Submissions (2):

Mendelics
Classification: Likely benign for Peutz-Jeghers syndrome. Last evaluated: 2019-05-28. Review status: criteria provided, single submitter. Criteria: Mendelics Assertion Criteria 2017. Collection method: clinical testing. Allele origin: unknown.

Illumina Laboratory Services, Illumina
Classification: Benign for Peutz-Jeghers syndrome. Last evaluated: 2018-01-13. Review status: criteria provided, single submitter. Criteria: ICSL Variant Classification Criteria 13 December 2019. Collection method: clinical testing. Allele origin: germline.
Comment: This variant was observed in the ICSL laboratory as part of a predisposition screen in an ostensibly healthy population. It had not been previously curated by ICSL or reported in the Human Gene Mutation Database (HGMD: prior to June 1st, 2018), and was therefore a candidate for classification through an automated scoring system. Utilizing variant allele frequency, disease prevalence and penetrance estimates, and inheritance mode, an automated score was calculated to assess if this variant is too frequent to cause the disease. Based on the score and internal cut-off values, a variant classified as benign is not then subjected to further curation. The score for this variant resulted in a classification of benign for this disease.

NM_000455.5(STK11):c.-137C>T

Gene: STK11 (serine/threonine kinase 11; plus strand). Cytogenetic location: 19p13.3.
Variant type: single nucleotide variant.
Coding change: c.-137C>T on transcript NM_000455.5 (MANE Select); 137 bases upstream of the start codon, C replaced by T.
Molecular consequence: 5 prime UTR variant.
Genome position (GRCh38, 1-based): chr19:1,206,777, C>T. VCF-style: chr19-1206777-C-T. GRCh37 (hg19) VCF-style: chr19-1206776-C-T.
Identifiers: ClinVar variation 328222 (VCV000328222.6), dbSNP rs527710714, ClinGen allele CA10642291.